The following is an entry in ClinVar:

NM_000260.4(MYO7A):c.6604C>T (p.Leu2202Phe)

Gene: MYO7A (myosin VIIA; plus strand). Cytogenetic location: 11q13.5.
Variant type: single nucleotide variant.
Coding change: c.6604C>T on transcript NM_000260.4 (MANE Select); coding-DNA position 6604, C replaced by T.
Protein change: p.Leu2202Phe; replaces leucine 2202 with phenylalanine.
Molecular consequence: missense variant.
Genome position (GRCh38, 1-based): chr11:77,214,652, C>T. VCF-style: chr11-77214652-C-T. GRCh37 (hg19) VCF-style: chr11-76925697-C-T.
Other names: c.6484C>T, p.Leu2162Phe (NM_001127180.2); c.6457C>T, p.Leu2153Phe (NM_001369365.1); short protein forms L2153F, L2162F, L2202F.
Identifiers: ClinVar variation 1966339 (VCV001966339.2), dbSNP rs1293481135, ClinGen allele CA381939343.
Genomic context (GRCh38, chr11:77,214,652, plus strand): 5'-CACCCCTGCTTCCAGGGCTACAAGATGGATGACCTCCTGACTTCCTACATTAGCCAGATG[C>T]TCACAGCCATGAGCAAACAGCGGGGCTCCAGGAGCGGCAAGTGAACAGTCACGGGGAGGT-3'
Protein context (NP_000251.3, residues 2192-2212): DLLTSYISQM[Leu2202Phe]TAMSKQRGSR

ClinVar aggregate classification (germline): Uncertain significance (1 of 4 stars; one submission).

Allele frequency attached by ClinVar (database versions not stated): gnomAD exomes below 0.00001; TOPMed below 0.00001.
gnomAD v4.1: 2 of 1,589,482 alleles (0.00013%); highest among the groups gnomAD compares: African/African-American, 0.0013%; no homozygotes.

Submission:

Labcorp Genetics (formerly Invitae), Labcorp
Classification: Uncertain significance. Last evaluated: 2022-03-29. Review status: criteria provided, single submitter. Criteria: Invitae Variant Classification Sherloc (09022015). Collection method: clinical testing. Allele origin: germline.
Comment: This sequence change replaces leucine, which is neutral and non-polar, with phenylalanine, which is neutral and non-polar, at codon 2202 of the MYO7A protein (p.Leu2202Phe). This variant is not present in population databases (gnomAD no frequency). This variant has not been reported in the literature in individuals affected with MYO7A-related conditions. Algorithms developed to predict the effect of missense changes on protein structure and function are either unavailable or do not agree on the potential impact of this missense change (SIFT: "Deleterious"; PolyPhen-2: "Probably Damaging"; Align-GVGD: "Class C0"). In summary, the available evidence is currently insufficient to determine the role of this variant in disease. Therefore, it has been classified as a Variant of Uncertain Significance.